The following is an entry in ClinVar:

NM_000388.4(CASR):c.1510G>T (p.Val504Leu)

Gene: CASR (calcium sensing receptor; plus strand). Cytogenetic location: 3q21.1.
Variant type: single nucleotide variant.
Coding change: c.1510G>T on transcript NM_000388.4 (MANE Select); coding-DNA position 1510, G replaced by T.
Protein change: p.Val504Leu; replaces valine 504 with leucine.
Molecular consequence: missense variant.
Genome position (GRCh38, 1-based): chr3:122,275,944, G>T. VCF-style: chr3-122275944-G-T. GRCh37 (hg19) VCF-style: chr3-121994791-G-T.
Other names: c.1510G>T, p.Val504Leu (NM_001178065.2); short protein forms V504L.
Identifiers: ClinVar variation 3231503 (VCV003231503.1), dbSNP rs201536450, ClinGen allele CA354155254.

ClinVar aggregate classification (germline): Uncertain significance (1 of 4 stars; one submission).

Conditions:
Nephrolithiasis/nephrocalcinosis. Identifiers: MedGen CN580796.

gnomAD v4.1: 1 of 1,614,086 alleles (0.000062%); highest among the groups gnomAD compares: Non-Finnish European, 0.000085%; no homozygotes.

Submission:

Ambry Genetics
Classification: Uncertain significance for Nephrolithiasis/nephrocalcinosis. Last evaluated: 2023-12-11. Review status: criteria provided, single submitter. Criteria: Ambry Variant Classification Scheme 2023. Collection method: clinical testing. Allele origin: germline.
Comment: The p.V504L variant (also known as c.1510G>T), located in coding exon 4 of the CASR gene, results from a G to T substitution at nucleotide position 1510. The valine at codon 504 is replaced by leucine, an amino acid with highly similar properties. This amino acid position is conserved. In addition, this alteration is predicted to be tolerated by in silico analysis. Since supporting evidence is limited at this time, the clinical significance of this alteration remains unclear.